The following is an entry in ClinVar:

NM_000138.5(FBN1):c.364C>T (p.Arg122Cys)

Gene: FBN1 (fibrillin 1; minus strand). Cytogenetic location: 15q21.1.
Variant type: single nucleotide variant.
Coding change: c.364C>T on transcript NM_000138.5 (MANE Select); coding-DNA position 364, C replaced by T.
Protein change: p.Arg122Cys; replaces arginine 122 with cysteine.
Molecular consequence: missense variant.
Genome position (GRCh38, 1-based): chr15:48,600,217, G>A on the plus strand (C>T on the coding strand, the complement: FBN1 is on the minus strand). VCF-style: chr15-48600217-G-A. GRCh37 (hg19) VCF-style: chr15-48892414-G-A.
Other names: p.R122C:CGC>TGC; short protein forms R122C.
Identifiers: ClinVar variation 16440 (VCV000016440.37), dbSNP rs137854467, ClinGen allele CA014381.
Genomic context (GRCh38, chr15:48,600,217, plus strand): 5'-CTATGTATCCTTTCTGGCATAGACAGTGATCGTCACTGCAGCTACCTCCATTCATACAGC[G>A]AATATTGCAGTGTTGTACTTGAAAAAAAAGAAGAAGAATTCACTTTTGCAACTTAAATGC-3'
Protein context (NP_000129.3, residues 112-132): GSRSIQHCNI[Arg122Cys]CMNGGSCSDD

ClinVar aggregate classification (germline): Pathogenic. Review status: criteria provided, multiple submitters, no conflicts (2 of 4 stars). 15 submissions from 15 submitters: Pathogenic (13). 2 of the submissions do not count toward it. Last evaluated 2026-01-13.

Conditions:
Stiff skin syndrome (SSKS). Identifiers: Orphanet 2833, MedGen C1861456, MONDO:0008492, OMIM 184900.
MASS syndrome (OCTD). Also called: MASS PHENOTYPE; OVERLAP CONNECTIVE TISSUE DISEASE. Identifiers: MedGen C1858556, MONDO:0011431, OMIM 604308.
Ectopia lentis 1, isolated, autosomal dominant (ECTOL1). Identifiers: Orphanet 1885, MedGen C3541518, MONDO:0007514, OMIM 129600.
Progeroid and marfanoid aspect-lipodystrophy syndrome. Also called: MARFANOID-PROGEROID SYNDROME; MARFAN-PROGEROID-LIPODYSTROPHY SYNDROME; Marfan lipodystrophy syndrome; MARFANOID-PROGEROID-LIPODYSTROPHY SYNDROME. Identifiers: Orphanet 300382, MedGen C4310796, MONDO:0014831, OMIM 616914.
Geleophysic dysplasia 2 (GPHYSD2). Identifiers: Orphanet 2623, MedGen C3280054, MONDO:0013612, OMIM 614185.
Marfan syndrome (MFS). Also called: FBN1-Related Marfan Syndrome; Marfan syndrome, classic; MARFAN SYNDROME, TYPE I; Marfan syndrome type 1; Marfan's syndrome. Identifiers: Orphanet 284963, Orphanet 558, MedGen C0024796, MONDO:0007947, OMIM 154700.
Acromicric dysplasia (ACMICD). Also called: Acromicric skeletal dysplasia. Identifiers: Orphanet 969, MedGen C0265287, MONDO:0007055, OMIM 102370.
Weill-Marchesani syndrome 2, dominant. Also called: FBN1-Related Weill-Marchesani Syndrome; Weill-Marchesani Syndrome, Autosomal Dominant. Identifiers: Orphanet 2084, MedGen C1869115, MONDO:0012013, OMIM 608328.
Familial thoracic aortic aneurysm and aortic dissection (TAAD). Also called: Thoracic aortic aneurysms and dissections. Identifiers: Orphanet 91387, MedGen C4707243, MONDO:0019625.
Marfan syndrome, atypical. Identifiers: MedGen C4016055.
Aortic dissection. Identifiers: MedGen C0340643, HP:0002647.
High palate. Identifiers: MedGen C0240635, HP:0000218.
Arachnodactyly. Identifiers: MedGen C0003706, HP:0001166.
Lens subluxation. Identifiers: MedGen C0023316, MONDO:0001271, HP:0001132.
FBN1-related disorder. Also called: FBN1-related disorders.

Submissions 1 to 10 of 15:

Labcorp Genetics (formerly Invitae), Labcorp
Classification: Pathogenic for Marfan syndrome; Familial thoracic aortic aneurysm and aortic dissection. Last evaluated: 2026-01-13. Review status: criteria provided, single submitter. Criteria: Invitae Variant Classification Sherloc (09022015). Collection method: clinical testing. Allele origin: germline.
Comment: This sequence change replaces arginine, which is basic and polar, with cysteine, which is neutral and slightly polar, at codon 122 of the FBN1 protein (p.Arg122Cys). This variant is not present in population databases (gnomAD no frequency). This missense change has been observed in individuals with ectopia lentis and/or Marfan syndrome (PMID: 8040326, 9452085, 11700157, 12446365, 17679947, 21895641, 21932315, 22772377, 25053872). It has also been observed to segregate with disease in related individuals. ClinVar contains an entry for this variant (Variation ID: 16440). Invitae Evidence Modeling of protein sequence and biophysical properties (such as structural, functional, and spatial information, amino acid conservation, physicochemical variation, residue mobility, and thermodynamic stability) indicates that this missense variant is expected to disrupt FBN1 protein function with a positive predictive value of 95%. For these reasons, this variant has been classified as Pathogenic.

Ambry Genetics
Classification: Pathogenic for Familial thoracic aortic aneurysm and aortic dissection. Last evaluated: 2025-07-21. Review status: criteria provided, single submitter. Criteria: Ambry Variant Classification Scheme 2023. Collection method: clinical testing. Allele origin: germline.
Comment: The c.364C>T (p.R122C) alteration is located in exon 5 (coding exon 4) of the FBN1 gene. This alteration results from a C to T substitution at nucleotide position 364, causing the arginine (R) at amino acid position 122 to be replaced by a cysteine (C). This variant was not reported in population-based cohorts in the Genome Aggregation Database (gnomAD). This variant has been detected in numerous unrelated individuals with ectopia lentis (EL) and/or Marfan syndrome (MFS) (Loeys, 2001; Comeglio, 2002; Jin, 2007; Hung, 2009; Li, 2014). In addition, this variant has been reported to segregate with disease in three families (St&aring;hl-Hallengren, 1994; Black, 1998; Zadeh, 2011). This amino acid position is highly conserved in available vertebrate species. The majority of FBN1 mutations identified to date have involved the substitution or generation of cysteine residues within cbEGF domains (Vollbrandt, 2004). This alteration is predicted to be deleterious by in silico analysis. Based on the available evidence, this alteration is classified as pathogenic.

Clinical Genetics Laboratory, Skane University Hospital Lund
Classification: Pathogenic. Last evaluated: 2024-01-16. Review status: criteria provided, single submitter. Criteria: ACMG Guidelines, 2015. Collection method: clinical testing. Allele origin: germline. Affected: yes.

3billion
Classification: Pathogenic for Marfan syndrome. Last evaluated: 2023-07-04. Review status: criteria provided, single submitter. Criteria: ACMG Guidelines, 2015. Collection method: clinical testing. Allele origin: germline. Affected: yes.
Comment: The variant is not observed in the gnomAD v2.1.1 dataset. Predicted Consequence/Location: Missense variant In silico tool predictions suggest damaging effect of the variant on gene or gene product (REVEL: 0.60; 3Cnet: 0.97). Same nucleotide change resulting in same amino acid change has been previously reported as pathogenic/likely pathogenic with strong evidence (ClinVar ID: VCV000016440 /PMID: 8040326). The variant has been observed in multiple (>3) similarly affected unrelated individuals (PMID: 21895641, 21932315, 22772377). Therefore, this variant is classified as Pathogenic according to the recommendation of ACMG/AMP guideline.

Blueprint Genetics
Classification: Pathogenic for FBN1-related disorders. Last evaluated: 2022-05-17. Review status: criteria provided, single submitter. Criteria: ACMG Guidelines, 2015. Collection method: clinical testing. Allele origin: germline. Affected: yes. Observed: 5 variant alleles.

GeneDx
Classification: Pathogenic. Last evaluated: 2022-01-18. Review status: criteria provided, single submitter. Criteria: GeneDx Variant Classification Process June 2021. Collection method: clinical testing. Allele origin: germline. Affected: yes.
Comment: Not observed at significant frequency in large population cohorts (gnomAD); In silico analysis supports that this missense variant has a deleterious effect on protein structure/function; Introduces a new cysteine residue within a calcium-binding EGF-like domain of the FBN1 gene, which may affect disulfide bonding and is predicted to alter the structure and function of the protein; cysteine substitutions in the calcium-binding EGF-like domains represent the majority of pathogenic missense changes associated with FBN1-related disorders (Collod-Beroud et al., 2003); Reported in ClinVar by several laboratories as pathogenic (ClinVar Variant ID# 16440); This variant is associated with the following publications: (PMID: 19293843, 25053872, 22772377, 19839986, 12446365, 21932315, 21895641, 11700157, 19089573, 17679947, 9452085, 24161884, 24199744, 32123317, 8040326, 34957211, 12938084, 31730815)

Fulgent Genetics
Classification: Pathogenic for Acromicric dysplasia; Ectopia lentis 1, isolated, autosomal dominant; Marfan syndrome; Stiff skin syndrome; MASS syndrome; Weill-Marchesani syndrome 2, dominant; Geleophysic dysplasia 2; Progeroid and marfanoid aspect-lipodystrophy syndrome. Last evaluated: 2021-08-23. Review status: criteria provided, single submitter. Criteria: ACMG Guidelines, 2015. Collection method: clinical testing. Allele origin: unknown.

CHEO Genetics Diagnostic Laboratory, Children's Hospital of Eastern Ontario
Classification: Pathogenic for Familial thoracic aortic aneurysm and aortic dissection. Last evaluated: 2019-05-17. Review status: criteria provided, single submitter. Criteria: ACMG Guidelines, 2015. Collection method: clinical testing. Allele origin: germline.

ARUP Laboratories, Molecular Genetics and Genomics, ARUP Laboratories
Classification: Pathogenic. Last evaluated: 2018-08-13. Review status: criteria provided, single submitter. Criteria: ARUP Molecular Germline Variant Investigation Process. Collection method: clinical testing. Allele origin: germline.
Comment: The FBN1 c.364C>T; p.Arg122Cys variant (rs137854467) has been reported in multiple families with clinical symptoms suggestive of Marfan syndrome, and is strongly associated with ectopia lentis (Black 1998, Comeglio 2002, Jin 2007, Loeys 2001, Stahl-Hallengran 1994). It is reported in ClinVar as pathogenic (Variation ID: 16440) and is absent from general population databases (1000 Genomes Project, Exome Variant Server, and Genome Aggregation Database), indicating it is not a common polymorphism. The variant changes an arginine in an EGF-like domain into a cysteine residue, which meets the revised Ghent nosology criteria of a causative Marfan syndrome variant (Loeys 2010). Based on available information, this variant is considered to be pathogenic. References: Black C et al. Correlation of a recurrent FBN1 mutation (R122C) with an atypical familial Marfan syndrome phenotype. Hum Mutat. 1998; Suppl 1:S198-200. Comeglio P et al. Identification of FBN1 gene mutations in patients with ectopia lentis and marfanoid habitus. Br J Ophthalmol. 2002; 86(12):1359-62. Jin C et al. Novel FBN1 mutations associated with predominant ectopia lentis and marfanoid habitus in Chinese patients. Mol Vis. 2007; 13:1280-4. Loeys B et al. Genotype and phenotype analysis of 171 patients referred for molecular study of the fibrillin-1 gene FBN1 because of suspected Marfan syndrome. Arch Intern Med. 2001; 2001 Nov 12;161(20):2447-54. Loeys B et al. The revised Ghent nosology for the Marfan syndrome. J Med Genet. 2010; 47(7):476-85. Stahl-Hallengren C et al. An extra cysteine in one of the non-calcium-binding epidermal growth factor-like motifs of the FBN1 polypeptide is connected to a novel variant of Marfan syndrome. J Clin Invest. 1994; 94(2):709-13.

Centre for Mendelian Genomics, University Medical Centre Ljubljana
Classification: Pathogenic for Aortic dissection; Arachnodactyly; High palate; Lens subluxation. Last evaluated: 2017-01-01. Review status: criteria provided, single submitter. Criteria: ACMG Guidelines, 2015. Collection method: clinical testing. Allele origin: unknown. Affected: yes.